The following is an entry in ClinVar:

NM_001378969.1(KCND3):c.448G>T (p.Asp150Tyr)

Gene: KCND3 (potassium voltage-gated channel subfamily D member 3; minus strand). Cytogenetic location: 1p13.2.
Variant type: single nucleotide variant.
Coding change: c.448G>T on transcript NM_001378969.1 (MANE Select); coding-DNA position 448, G replaced by T.
Protein change: p.Asp150Tyr; replaces aspartic acid 150 with tyrosine.
Molecular consequence: missense variant.
Genome position (GRCh38, 1-based): chr1:111,982,279, C>A on the plus strand (G>T on the coding strand, the complement: KCND3 is on the minus strand). VCF-style: chr1-111982279-C-A. GRCh37 (hg19) VCF-style: chr1-112524901-C-A.
Other names: c.448G>T, p.Asp150Tyr (NM_001378970.1, NM_004980.5, NM_172198.3); short protein forms D150Y.
Identifiers: ClinVar variation 2499303 (VCV002499303.2), dbSNP rs1488410733, ClinGen allele CA341822119.

ClinVar aggregate classification (germline): Uncertain significance. Review status: criteria provided, multiple submitters, no conflicts (2 of 4 stars). 2 submissions from 2 submitters: Uncertain significance (2). Last evaluated 2025-05-10.

Conditions:
Cardiovascular phenotype. Identifiers: MedGen CN230736.

Submissions (2):

Ambry Genetics
Classification: Uncertain significance for Cardiovascular phenotype. Last evaluated: 2025-05-10. Review status: criteria provided, single submitter. Criteria: Ambry Variant Classification Scheme 2023. Collection method: clinical testing. Allele origin: germline.
Comment: The p.D150Y variant (also known as c.448G>T), located in coding exon 1 of the KCND3 gene, results from a G to T substitution at nucleotide position 448. The aspartic acid at codon 150 is replaced by tyrosine, an amino acid with highly dissimilar properties. This amino acid position is conserved. In addition, this alteration is predicted to be deleterious by in silico analysis. Based on the available evidence, the clinical significance of this variant remains unclear.

GeneDx
Classification: Uncertain significance. Last evaluated: 2022-10-10. Review status: criteria provided, single submitter. Criteria: GeneDx Variant Classification Process June 2021. Collection method: clinical testing. Allele origin: germline. Affected: yes.
Comment: Not observed at significant frequency in large population cohorts (gnomAD); In silico analysis supports that this missense variant has a deleterious effect on protein structure/function; Has not been previously published as pathogenic or benign to our knowledge